The following is an entry in ClinVar:

NM_170784.3(MKKS):c.1505A>G (p.Tyr502Cys)

Gene: MKKS (MKKS centrosomal shuttling protein; minus strand). Cytogenetic location: 20p12.2.
Variant type: single nucleotide variant.
Coding change: c.1505A>G on transcript NM_170784.3 (MANE Select); coding-DNA position 1505, A replaced by G.
Protein change: p.Tyr502Cys; replaces tyrosine 502 with cysteine.
Molecular consequence: missense variant. On other transcripts: non-coding transcript variant (1).
Genome position (GRCh38, 1-based): chr20:10,405,455, T>C on the plus strand (A>G on the coding strand, the complement: MKKS is on the minus strand). VCF-style: chr20-10405455-T-C. GRCh37 (hg19) VCF-style: chr20-10386103-T-C.
Other names: c.1505A>G, p.Tyr502Cys (NM_018848.3); short protein forms Y502C.
Identifiers: ClinVar variation 1024074 (VCV001024074.7), dbSNP rs749139446, ClinGen allele CA311318654.

ClinVar aggregate classification (germline): Uncertain significance. Review status: criteria provided, multiple submitters, no conflicts (2 of 4 stars). 2 submissions from 2 submitters: Uncertain significance (2). Last evaluated 2025-02-28.

Conditions:
MKKS-related disorder. Also called: MKKS-related disorders; MKKS-related condition.
McKusick-Kaufman syndrome (MKKS). Also called: HYDROMETROCOLPOS SYNDROME; HYDROMETROCOLPOS, POSTAXIAL POLYDACTYLY, AND CONGENITAL HEART MALFORMATION. Identifiers: Orphanet 2473, MedGen C0948368, MONDO:0009367, OMIM 236700.
Bardet-Biedl syndrome (BBS). Identifiers: Orphanet 110, MedGen C0752166, MONDO:0015229.

Allele frequency attached by ClinVar (database versions not stated): gnomAD exomes below 0.00001; gnomAD 0.00001; TOPMed 0.00001.
gnomAD v4.1: 6 of 1,614,048 alleles (0.00037%); highest among the groups gnomAD compares: East Asian, 0.0022%; no homozygotes.

Submissions (2):

PreventionGenetics, part of Exact Sciences
Classification: Uncertain significance for MKKS-related condition. Last evaluated: 2025-02-28. Review status: criteria provided, single submitter. Criteria: ACMG Guidelines, 2015. Collection method: clinical testing. Allele origin: germline.
Comment: The MKKS c.1505A>G variant is predicted to result in the amino acid substitution p.Tyr502Cys. To our knowledge, this variant has not been reported in the literature or in a large population database (gnomAD), indicating this variant is rare. At this time, the clinical significance of this variant is uncertain due to the absence of conclusive functional and genetic evidence.

Labcorp Genetics (formerly Invitae), Labcorp
Classification: Uncertain significance for McKusick-Kaufman syndrome; Bardet-Biedl syndrome. Last evaluated: 2021-09-01. Review status: criteria provided, single submitter. Criteria: Invitae Variant Classification Sherloc (09022015). Collection method: clinical testing. Allele origin: germline.
Comment: This sequence change replaces tyrosine with cysteine at codon 502 of the MKKS protein (p.Tyr502Cys). The tyrosine residue is moderately conserved and there is a large physicochemical difference between tyrosine and cysteine. This variant is not present in population databases (ExAC no frequency). This variant has not been reported in the literature in individuals affected with MKKS-related conditions. Algorithms developed to predict the effect of missense changes on protein structure and function output the following: SIFT: "Tolerated"; PolyPhen-2: "Benign"; Align-GVGD: "Class C0". The cysteine amino acid residue is found in multiple mammalian species, which suggests that this missense change does not adversely affect protein function. In summary, the available evidence is currently insufficient to determine the role of this variant in disease. Therefore, it has been classified as a Variant of Uncertain Significance.